The following is an entry in ClinVar:

ClinVar aggregate classification (germline): Uncertain significance (1 of 4 stars; one submission).

Conditions:
Hereditary cancer-predisposing syndrome. Also called: Neoplastic Syndromes, Hereditary; Tumor predisposition; Hereditary Cancer Syndrome; Hereditary neoplastic syndrome. Identifiers: Orphanet 140162, MedGen C0027672, MeSH D009386, MONDO:0015356.

Submission:

Ambry Genetics
Classification: Uncertain significance for Hereditary cancer-predisposing syndrome. Last evaluated: 2022-08-08. Review status: criteria provided, single submitter. Criteria: Ambry Variant Classification Scheme 2023. Collection method: clinical testing. Allele origin: germline.
Comment: The p.S413W variant (also known as c.1238C>G), located in coding exon 5 of the AXIN2 gene, results from a C to G substitution at nucleotide position 1238. The serine at codon 413 is replaced by tryptophan, an amino acid with highly dissimilar properties. This amino acid position is conserved. In addition, this alteration is predicted to be tolerated by in silico analysis. Since supporting evidence is limited at this time, the clinical significance of this alteration remains unclear.

NM_004655.4(AXIN2):c.1238C>G (p.Ser413Trp)

Gene: AXIN2 (axin 2; minus strand). Cytogenetic location: 17q24.1.
Variant type: single nucleotide variant.
Coding change: c.1238C>G on transcript NM_004655.4 (MANE Select); coding-DNA position 1238, C replaced by G.
Protein change: p.Ser413Trp; replaces serine 413 with tryptophan.
Molecular consequence: missense variant.
Genome position (GRCh38, 1-based): chr17:65,537,798, G>C on the plus strand (C>G on the coding strand, the complement: AXIN2 is on the minus strand). VCF-style: chr17-65537798-G-C. GRCh37 (hg19) VCF-style: chr17-63533916-G-C.
Other names: c.1238C>G, p.Ser413Trp (NM_001363813.1); short protein forms S413W.
Identifiers: ClinVar variation 1757348 (VCV001757348.2), dbSNP rs1399215718, ClinGen allele CA400677898.
Genomic context (GRCh38, chr17:65,537,798, plus strand): 5'-TCCTCGTAGCTGCCGGAGGGCAGTAGGGAGAGGGGGTGCTGCGTGGGCGCCCCCTCCCGC[G>C]AATTGAGTGTGAGCTCGGAGCCCTCTCTCTCTTCATCCTGAAAGGGAAGACGTCAGAAGG-3'
Protein context (NP_004646.3, residues 403-423): EREGSELTLN[Ser413Trp]REGAPTQHPL